The following is an entry in ClinVar:

ClinVar aggregate classification (germline): Benign/Likely benign. Review status: criteria provided, multiple submitters, no conflicts (2 of 4 stars). 2 submissions from 2 submitters: Benign (1); Likely benign (1). Last evaluated 2026-04-23.

Conditions:
Colorectal cancer, susceptibility to, 1. Also called: COLORECTAL ADENOMA AND CANCER, SUSCEPTIBILITY TO; COLORECTAL CANCER, SUSCEPTIBILITY TO, ON CHROMOSOME 9. Identifiers: MedGen C1837315, MONDO:0012132, OMIM 608812.

Allele frequency attached by ClinVar (database versions not stated): gnomAD 0.00001; gnomAD exomes below 0.00001.
gnomAD v4.1: 3 of 1,613,966 alleles (0.00019%); highest among the groups gnomAD compares: Admixed American, 0.005%; no homozygotes.

Submissions (2):

Myriad Genetics, Inc.
Classification: Benign for Colorectal cancer, susceptibility to, 1. Last evaluated: 2026-04-23. Review status: criteria provided, single submitter. Criteria: Myriad Autosomal Dominant, Autosomal Recessive and X-Linked Classification Criteria (2023). Collection method: clinical testing. Allele origin: unknown.
Comment: This variant is considered benign. This variant is a silent/synonymous amino acid change and it is not expected to impact splicing.

Ambry Genetics
Classification: Likely benign. Last evaluated: 2020-11-13. Review status: criteria provided, single submitter. Criteria: Ambry Variant Classification Scheme 2023. Collection method: clinical testing. Allele origin: germline.

NM_024642.5(GALNT12):c.417T>A (p.Ser139=)

Gene: GALNT12 (polypeptide N-acetylgalactosaminyltransferase 12; plus strand). Cytogenetic location: 9q22.33.
Variant type: single nucleotide variant.
Coding change: c.417T>A on transcript NM_024642.5 (MANE Select); coding-DNA position 417, T replaced by A.
Protein change: p.Ser139=; no amino-acid change (serine 139 retained).
Molecular consequence: synonymous variant.
Genome position (GRCh38, 1-based): chr9:98,823,301, T>A. VCF-style: chr9-98823301-T-A. GRCh37 (hg19) VCF-style: chr9-101585583-T-A.
Identifiers: ClinVar variation 1738492 (VCV001738492.3), dbSNP rs1835787178, ClinGen allele CA466423541.